The following is an entry in ClinVar:

ClinVar aggregate classification (germline): Uncertain significance (1 of 4 stars; one submission).

gnomAD v4.1: 7 of 1,613,268 alleles (0.00043%); highest among the groups gnomAD compares: Non-Finnish European, 0.00059%; no homozygotes.

Submission:

Labcorp Genetics (formerly Invitae), Labcorp
Classification: Uncertain significance. Last evaluated: 2025-08-09. Review status: criteria provided, single submitter. Criteria: Invitae Variant Classification Sherloc (09022015). Collection method: clinical testing. Allele origin: germline.
Comment: This sequence change falls in intron 22 of the DUOX2 gene. It does not directly change the encoded amino acid sequence of the DUOX2 protein. It affects a nucleotide within the consensus splice site. This variant is present in population databases (no rsID available, gnomAD 0.003%). This variant has not been reported in the literature in individuals affected with DUOX2-related conditions. Variants that disrupt the consensus splice site are a relatively common cause of aberrant splicing (PMID: 17576681, 9536098). Algorithms developed to predict the effect of sequence changes on RNA splicing suggest that this variant may disrupt the consensus splice site. In summary, the available evidence is currently insufficient to determine the role of this variant in disease. Therefore, it has been classified as a Variant of Uncertain Significance.

Literature cited by the submitters: PubMed 17576681; PubMed 9536098.

NM_001363711.2(DUOX2):c.2921+3G>T

Gene: DUOX2 (dual oxidase 2; minus strand). Cytogenetic location: 15q21.1.
Variant type: single nucleotide variant.
Coding change: c.2921+3G>T on transcript NM_001363711.2 (MANE Select); 3 bases into the intron after coding-DNA position 2921, G replaced by T.
Molecular consequence: intron variant.
Genome position (GRCh38, 1-based): chr15:45,101,202, C>A on the plus strand (G>T on the coding strand, the complement: DUOX2 is on the minus strand). VCF-style: chr15-45101202-C-A. GRCh37 (hg19) VCF-style: chr15-45393400-C-A.
Other names: c.2921+3G>T (NM_014080.5).
Identifiers: ClinVar variation 4779040 (VCV004779040.1).
Genomic context (GRCh38, chr15:45,101,202, plus strand): 5'-TCCCTTCATTTCTCTGCAGGGGGCTCAGCCAGGCCAACCTGCCAGAGCCCCATTCCTGCT[C>A]ACCGCTCCCCAGGTGTCCGAGTGATGAACGAGACTCGACAGCTGATGTTTTGTTTAAAGA-3'